The following is an entry in ClinVar:

NM_001267550.2(TTN):c.82678G>A (p.Val27560Ile)

Genes: TTN (titin; minus strand), TTN-AS1 (TTN antisense RNA 1; plus strand). Cytogenetic location: 2q31.2.
Variant type: single nucleotide variant.
Coding change: c.82678G>A on transcript NM_001267550.2 (MANE Select); coding-DNA position 82678, G replaced by A.
Protein change: p.Val27560Ile; replaces valine 27560 with isoleucine.
Molecular consequence: missense variant.
Genome position (GRCh38, 1-based): chr2:178,563,454, C>T on the plus strand (G>A on the coding strand, the complement: TTN is on the minus strand). VCF-style: chr2-178563454-C-T. GRCh37 (hg19) VCF-style: chr2-179428181-C-T.
Other names: c.55483G>A, p.Val18495Ile (NM_003319.4); c.74974G>A, p.Val24992Ile (NM_133378.4); c.55858G>A, p.Val18620Ile (NM_133432.3); c.56059G>A, p.Val18687Ile (NM_133437.4); c.77755G>A, p.Val25919Ile (NM_001256850.1); short protein forms V18495I, V25919I, V18620I, V18687I, V24992I, V27560I.
Identifiers: ClinVar variation 3572697 (VCV003572697.2).

ClinVar aggregate classification (germline): Uncertain significance. Review status: criteria provided, multiple submitters, no conflicts (2 of 4 stars). 2 submissions from 2 submitters: Uncertain significance (2). Last evaluated 2026-02-18.

Conditions:
TTN-related disorder. Also called: TTN-related condition; TTN-related disease; TTN-related disorders.

gnomAD v4.1: 3 of 1,613,520 alleles (0.00019%); highest among the groups gnomAD compares: African/African-American, 0.004%; no homozygotes.

Submissions (2):

PreventionGenetics, part of Exact Sciences
Classification: Uncertain significance for TTN-related condition. Last evaluated: 2026-02-18. Review status: criteria provided, single submitter. Criteria: ACMG Guidelines, 2015. Collection method: clinical testing. Allele origin: germline.
Comment: The TTN c.82678G>A variant is predicted to result in the amino acid substitution p.Val27560Ile. To our knowledge, this variant has not been reported in the literature. This variant is reported in 0.011% of alleles in individuals of African descent in gnomAD. At this time, the clinical significance of this variant is uncertain due to the absence of conclusive functional and genetic evidence.

GeneDx
Classification: Uncertain significance. Last evaluated: 2024-07-09. Review status: criteria provided, single submitter. Criteria: GeneDx Variant Classification Process June 2021. Collection method: clinical testing. Allele origin: germline. Affected: yes.
Comment: Not observed at significant frequency in large population cohorts (gnomAD); Missense variant in a gene in which most reported pathogenic variants are truncating/loss of function; Has not been previously published as pathogenic or benign to our knowledge